The following is an entry in ClinVar:

ClinVar aggregate classification (germline): Pathogenic/Likely pathogenic. Review status: criteria provided, multiple submitters, no conflicts (2 of 4 stars). 2 submissions from 2 submitters: Pathogenic (1); Likely pathogenic (1). Last evaluated 2025-06-02.

Conditions:
Marfan Syndrome/Loeys-Dietz Syndrome/Familial Thoracic Aortic Aneurysms and Dissections. Identifiers: MedGen CN229799.
Marfan syndrome (MFS). Also called: MARFAN SYNDROME, TYPE I; FBN1-Related Marfan Syndrome; Marfan syndrome type 1; Marfan's syndrome; Marfan syndrome, classic. Identifiers: Orphanet 284963, Orphanet 558, MedGen C0024796, MONDO:0007947, OMIM 154700.
Familial thoracic aortic aneurysm and aortic dissection (TAAD). Also called: Thoracic aortic aneurysms and dissections. Identifiers: Orphanet 91387, MedGen C4707243, MONDO:0019625.

Submissions (2):

Labcorp Genetics (formerly Invitae), Labcorp
Classification: Pathogenic for Marfan syndrome; Familial thoracic aortic aneurysm and aortic dissection. Last evaluated: 2025-06-02. Review status: criteria provided, single submitter. Criteria: Invitae Variant Classification Sherloc (09022015). Collection method: clinical testing. Allele origin: germline.
Comment: This sequence change creates a premature translational stop signal (p.Cys2611*) in the FBN1 gene. It is expected to result in an absent or disrupted protein product. Loss-of-function variants in FBN1 are known to be pathogenic (PMID: 17657824, 19293843). This variant is not present in population databases (gnomAD no frequency). This variant has not been reported in the literature in individuals affected with FBN1-related conditions. ClinVar contains an entry for this variant (Variation ID: 2501044). For these reasons, this variant has been classified as Pathogenic.

Women's Health and Genetics/Laboratory Corporation of America, LabCorp
Classification: Likely pathogenic for Marfan Syndrome/Loeys-Dietz Syndrome/Familial Thoracic Aortic Aneurysms and Dissections. Last evaluated: 2023-03-15. Review status: criteria provided, single submitter. Criteria: LabCorp Variant Classification Summary - May 2015. Collection method: clinical testing. Allele origin: germline.
Comment: Variant summary: FBN1 c.7833C>A (p.Cys2611X) results in a premature termination codon, predicted to cause a truncation of the encoded protein or absence of the protein due to nonsense mediated decay, which are commonly known mechanisms for disease. Truncations downstream of this position have been classified as pathogenic by our laboratory. The variant was absent in 251028 control chromosomes. To our knowledge, no occurrence of c.7833C>A in individuals affected with Marfan Syndrome and no experimental evidence demonstrating its impact on protein function have been reported. No clinical diagnostic laboratories have submitted clinical-significance assessments for this variant to ClinVar after 2014. Based on the evidence outlined above, the variant was classified as likely pathogenic.

Literature cited by the submitters: PubMed 17657824 (cited by Labcorp Genetics (formerly Invitae), Labcorp); PubMed 19293843 (cited by Labcorp Genetics (formerly Invitae), Labcorp).

NM_000138.5(FBN1):c.7833C>A (p.Cys2611Ter)

Gene: FBN1 (fibrillin 1; minus strand). Cytogenetic location: 15q21.1.
Variant type: single nucleotide variant.
Coding change: c.7833C>A on transcript NM_000138.5 (MANE Select); coding-DNA position 7833, C replaced by A.
Protein change: p.Cys2611Ter; replaces cysteine 2611 with a stop codon.
Molecular consequence: nonsense.
Genome position (GRCh38, 1-based): chr15:48,415,754, G>T on the plus strand (C>A on the coding strand, the complement: FBN1 is on the minus strand). VCF-style: chr15-48415754-G-T. GRCh37 (hg19) VCF-style: chr15-48707951-G-T.
Other names: c.7833C>A, p.Cys2611Ter (NM_001406716.1); short protein forms C2611*.
Identifiers: ClinVar variation 2501044 (VCV002501044.2), dbSNP rs2505384490, ClinGen allele CA392323438.